The following is an entry in ClinVar:

ClinVar aggregate classification (germline): Benign. Review status: criteria provided, multiple submitters, no conflicts (2 of 4 stars). 2 submissions from 2 submitters: Benign (2). Last evaluated 2018-01-13.

Conditions:
Premature ovarian failure 2B. Identifiers: MedGen C1845105, MONDO:0010373, OMIM 300604.

Allele frequency attached by ClinVar (database versions not stated): ESP Exome Variant Server 0.00511; gnomAD exomes 0.00126; ExAC 0.00166; 1000 Genomes Project 0.00265; 1000 Genomes Project 30x 0.00312; gnomAD 0.00412 and 0.00443; TOPMed 0.00500.
gnomAD v4.1: 969 of 1,207,715 alleles (0.08%); highest among the groups gnomAD compares: African/African-American, 1.5%; 5 homozygotes.

Submissions (2):

Illumina Laboratory Services, Illumina
Classification: Benign for Premature ovarian failure 2B. Last evaluated: 2018-01-13. Review status: criteria provided, single submitter. Criteria: ICSL Variant Classification Criteria 13 December 2019. Collection method: clinical testing. Allele origin: germline.
Comment: This variant was observed in the ICSL laboratory as part of a predisposition screen in an ostensibly healthy population. It had not been previously curated by ICSL or reported in the Human Gene Mutation Database (HGMD: prior to June 1st, 2018), and was therefore a candidate for classification through an automated scoring system. Utilizing variant allele frequency, disease prevalence and penetrance estimates, and inheritance mode, an automated score was calculated to assess if this variant is too frequent to cause the disease. Based on the score and internal cut-off values, a variant classified as benign is not then subjected to further curation. The score for this variant resulted in a classification of benign for this disease.

Breakthrough Genomics
Classification: Benign. Review status: criteria provided, single submitter. Criteria: ACMG Guidelines, 2015. Collection method: not provided. Allele origin: germline. Inheritance: X-linked inheritance. Affected: yes.

NM_024921.4(POF1B):c.1371C>G (p.Gly457=)

Gene: POF1B (POF1B actin binding protein; minus strand). Cytogenetic location: Xq21.1.
Variant type: single nucleotide variant.
Coding change: c.1371C>G on transcript NM_024921.4 (MANE Select); coding-DNA position 1371, C replaced by G.
Protein change: p.Gly457=; no amino-acid change (glycine 457 retained).
Molecular consequence: synonymous variant.
Genome position (GRCh38, 1-based): chrX:85,305,857, G>C on the plus strand (C>G on the coding strand, the complement: POF1B is on the minus strand). VCF-style: chrX-85305857-G-C. GRCh37 (hg19) VCF-style: chrX-84560863-G-C.
Other names: c.1371C>G, p.Gly457= (NM_001307940.2).
Identifiers: ClinVar variation 368785 (VCV000368785.6), dbSNP rs141543848, ClinGen allele CA10464976.